The following is an entry in ClinVar:

ClinVar aggregate classification (germline): Pathogenic/Likely pathogenic. Review status: criteria provided, multiple submitters, no conflicts (2 of 4 stars). 2 submissions from 2 submitters: Pathogenic (1); Likely pathogenic (1). Last evaluated 2024-06-03.

Conditions:
DPM1-related disorders.
Congenital disorder of glycosylation type 1E (CDG1E). Also called: CONGENITAL DISORDER OF GLYCOSYLATION, TYPE Ie; CDG Ie. Identifiers: Orphanet 79322, MedGen C1837396, MONDO:0012123, OMIM 608799.

Submissions (2):

Labcorp Genetics (formerly Invitae), Labcorp
Classification: Pathogenic for Congenital disorder of glycosylation type 1E. Last evaluated: 2024-06-03. Review status: criteria provided, single submitter. Criteria: Invitae Variant Classification Sherloc (09022015). Collection method: clinical testing. Allele origin: germline.
Comment: This sequence change creates a premature translational stop signal (p.Glu18Lysfs*31) in the DPM1 gene. It is expected to result in an absent or disrupted protein product. Loss-of-function variants in DPM1 are known to be pathogenic (PMID: 10642597, 10642602). This variant is present in population databases (rs759278634, gnomAD 0.0009%). This variant has not been reported in the literature in individuals affected with DPM1-related conditions. ClinVar contains an entry for this variant (Variation ID: 1455808). For these reasons, this variant has been classified as Pathogenic.

Blueprint Genetics
Classification: Likely pathogenic for DPM1-related disorders. Last evaluated: 2021-01-14. Review status: criteria provided, single submitter. Criteria: ACMG Guidelines, 2015. Collection method: clinical testing. Allele origin: germline. Affected: yes. Observed: 2 variant alleles.

Literature cited by the submitters: PubMed 10642597 (cited by Labcorp Genetics (formerly Invitae), Labcorp); PubMed 10642602 (cited by Labcorp Genetics (formerly Invitae), Labcorp).

NM_003859.3(DPM1):c.52del (p.Glu18fs)

Genes: DPM1 (dolichyl-phosphate mannosyltransferase subunit 1, catalytic; minus strand), LOC130066166 (ATAC-STARR-seq lymphoblastoid active region 18108; plus strand). Cytogenetic location: 20q13.13.
Variant type: Deletion.
Coding change: c.52del on transcript NM_003859.3 (MANE Select); coding-DNA position 52, one base deleted (G; older notation c.52delG).
Protein change: p.Glu18fs; shifts the reading frame from glutamic acid 18.
Molecular consequence: frameshift variant. On other transcripts: non-coding transcript variant (1).
Genome position (GRCh38, 1-based): chr20:50,958,472, C deleted on the plus strand (G on the coding strand, the reverse complement: DPM1 is on the minus strand); the first of 2 consecutive C bases (chr20:50,958,472-50,958,473); deleting either gives the same sequence. VCF-style (leftmost placement, unchanged base first): chr20-50958471-TC-T. GRCh37 (hg19) VCF-style: chr20-49575008-TC-T.
Other names: c.52del, p.Glu18fs (NM_001317034.1, NM_001317035.1, NM_001317036.1); short protein forms E18fs.
Identifiers: ClinVar variation 1455808 (VCV001455808.7), dbSNP rs759278634, ClinGen allele CA9909255.